The following is an entry in ClinVar:

ClinVar aggregate classification (germline): Uncertain significance (1 of 4 stars; one submission).

Conditions:
Neurofibromatosis, type 1 (NF1). Also called: Peripheral type neurofibromatosis; VON RECKLINGHAUSEN DISEASE; NEUROFIBROMATOSIS, TYPE I, SOMATIC; Neurofibromatosis, type I. Identifiers: Orphanet 636, MedGen C0027831, MONDO:0018975, OMIM 162200. Disease mechanism: loss of function.

Submission:

Labcorp Genetics (formerly Invitae), Labcorp
Classification: Uncertain significance for Neurofibromatosis, type 1. Last evaluated: 2023-08-10. Review status: criteria provided, single submitter. Criteria: Invitae Variant Classification Sherloc (09022015). Collection method: clinical testing. Allele origin: germline.
Comment: In summary, the available evidence is currently insufficient to determine the role of this variant in disease. Therefore, it has been classified as a Variant of Uncertain Significance. Advanced modeling of protein sequence and biophysical properties (such as structural, functional, and spatial information, amino acid conservation, physicochemical variation, residue mobility, and thermodynamic stability) performed at Invitae indicates that this missense variant is expected to disrupt NF1 protein function. ClinVar contains an entry for this variant (Variation ID: 1437495). This variant has not been reported in the literature in individuals affected with NF1-related conditions. This variant is not present in population databases (gnomAD no frequency). This sequence change replaces asparagine, which is neutral and polar, with aspartic acid, which is acidic and polar, at codon 222 of the NF1 protein (p.Asn222Asp).

NM_001042492.3(NF1):c.664A>G (p.Asn222Asp)

Gene: NF1 (neurofibromin 1; plus strand). Cytogenetic location: 17q11.2.
Variant type: single nucleotide variant.
Coding change: c.664A>G on transcript NM_001042492.3 (MANE Select); coding-DNA position 664, A replaced by G.
Protein change: p.Asn222Asp; replaces asparagine 222 with aspartic acid.
Molecular consequence: missense variant.
Genome position (GRCh38, 1-based): chr17:31,181,719, A>G. VCF-style: chr17-31181719-A-G. GRCh37 (hg19) VCF-style: chr17-29508737-A-G.
Other names: c.664A>G, p.Asn222Asp (NM_000267.4, NM_001128147.3); short protein forms N222D.
Identifiers: ClinVar variation 1437495 (VCV001437495.6), dbSNP rs2143777490, ClinGen allele CA398989685.